The following is an entry in ClinVar:

ClinVar aggregate classification (germline): Benign/Likely benign. Review status: criteria provided, multiple submitters, no conflicts (2 of 4 stars). 11 submissions from 11 submitters: Benign (2); Likely benign (5). 4 of the submissions do not count toward it. Last evaluated 2026-01-28.

Conditions:
Autosomal recessive disease. Identifiers: MedGen C0265388, MONDO:0006025.
HCFC1-related disorder. Also called: HCFC1-related condition.
Methylmalonic acidemia with homocystinuria, type cblX (MAHCX). Also called: INTELLECTUAL DEVELOPMENTAL DISORDER, X-LINKED 3. Identifiers: Orphanet 369962, MedGen C0796208, MONDO:0010657, OMIM 309541.

Allele frequency attached by ClinVar (database versions not stated): 1000 Genomes Project 30x 0.00062; 1000 Genomes Project 0.00079; TOPMed 0.00082; gnomAD 0.00091 and 0.00099; ExAC 0.00106; gnomAD exomes 0.00112 and 0.00143; ESP Exome Variant Server 0.00143.
gnomAD v4.1: 1,596 of 1,170,084 alleles (0.14%); highest among the groups gnomAD compares: South Asian, 0.4%; 2 homozygotes.

Submissions (11):

Labcorp Genetics (formerly Invitae), Labcorp
Classification: Likely benign for Methylmalonic acidemia with homocystinuria, type cblX. Last evaluated: 2026-01-28. Review status: criteria provided, single submitter. Criteria: Invitae Variant Classification Sherloc (09022015). Collection method: clinical testing. Allele origin: germline.

Blueprint Genetics
Classification: Likely benign. Last evaluated: 2024-11-21. Review status: criteria provided, single submitter. Criteria: ACMG Guidelines, 2015. Collection method: clinical testing. Allele origin: germline.

Cambridge Genomics Laboratory, East Genomic Laboratory Hub, NHS Genomic Medicine Service
Classification: Benign for Autosomal recessive disease. Last evaluated: 2019-08-06. Review status: criteria provided, single submitter. Criteria: ACGS Best Practice Guidelines for Variant Classification in Rare Disease 2020. Collection method: clinical testing. Allele origin: germline. Affected: yes. Observed: 1 variant allele.

GeneDx
Classification: Likely benign. Last evaluated: 2018-05-14. Review status: criteria provided, single submitter. Criteria: GeneDx Variant Classification Process June 2021. Collection method: clinical testing. Allele origin: germline. Affected: yes.

Genetic Services Laboratory, University of Chicago
Classification: Likely benign. Last evaluated: 2016-11-18. Review status: criteria provided, single submitter. Criteria: ACMG Guidelines, 2015. Collection method: clinical testing. Allele origin: germline. Affected: no.

Eurofins Ntd Llc (ga)
Classification: Benign. Last evaluated: 2016-03-16. Review status: criteria provided, single submitter. Criteria: EGL Classification Definitions 2015. Collection method: clinical testing. Allele origin: germline. Observed: 1 variant allele, 1 hemizygote.

Breakthrough Genomics
Classification: Likely benign. Review status: criteria provided, single submitter. Criteria: ACMG Guidelines, 2015. Collection method: not provided. Allele origin: germline. Inheritance: X-linked inheritance. Affected: yes.

PreventionGenetics, part of Exact Sciences
Classification: Likely benign for HCFC1-related condition. Last evaluated: 2024-04-01. Review status: no assertion criteria provided. Collection method: clinical testing. Allele origin: germline. Not counted in ClinVar's aggregate classification.
Comment: This variant is classified as likely benign based on ACMG/AMP sequence variant interpretation guidelines (Richards et al. 2015 PMID: 25741868, with internal and published modifications).

Clinical Genetics DNA and cytogenetics Diagnostics Lab, Erasmus MC, Erasmus Medical Center
Classification: Benign. Review status: no assertion criteria provided. Collection method: clinical testing. Allele origin: germline. Affected: yes. Study: VKGL Data-share Consensus. Not counted in ClinVar's aggregate classification.

Genome Diagnostics Laboratory, University Medical Center Utrecht
Classification: Benign. Review status: no assertion criteria provided. Collection method: clinical testing. Allele origin: germline. Affected: yes. Study: VKGL Data-share Consensus. Not counted in ClinVar's aggregate classification.

Laboratory of Diagnostic Genome Analysis, Leiden University Medical Center (LUMC)
Classification: Likely benign. Review status: no assertion criteria provided. Collection method: clinical testing. Allele origin: germline. Affected: yes. Study: VKGL Data-share Consensus. Not counted in ClinVar's aggregate classification.

NM_005334.3(HCFC1):c.2872A>G (p.Thr958Ala)

Gene: HCFC1 (host cell factor C1; minus strand). Cytogenetic location: Xq28.
Variant type: single nucleotide variant.
Coding change: c.2872A>G on transcript NM_005334.3 (MANE Select); coding-DNA position 2872, A replaced by G.
Protein change: p.Thr958Ala; replaces threonine 958 with alanine.
Molecular consequence: missense variant.
Genome position (GRCh38, 1-based): chrX:153,955,527, T>C on the plus strand (A>G on the coding strand, the complement: HCFC1 is on the minus strand). VCF-style: chrX-153955527-T-C. GRCh37 (hg19) VCF-style: chrX-153220978-T-C.
Other names: short protein forms T958A.
Identifiers: ClinVar variation 211132 (VCV000211132.28), dbSNP rs3027884, ClinGen allele CA206595.